The following is an entry in ClinVar:

NM_057175.5(NAA15):c.2002G>T (p.Val668Leu)

Gene: NAA15 (N-alpha-acetyltransferase 15, NatA auxiliary subunit; plus strand). Cytogenetic location: 4q31.1.
Variant type: single nucleotide variant.
Coding change: c.2002G>T on transcript NM_057175.5 (MANE Select); coding-DNA position 2002, G replaced by T.
Protein change: p.Val668Leu; replaces valine 668 with leucine.
Molecular consequence: missense variant.
Genome position (GRCh38, 1-based): chr4:139,376,419, G>T. VCF-style: chr4-139376419-G-T. GRCh37 (hg19) VCF-style: chr4-140297573-G-T.
Other names: c.2002G>T, p.Val668Leu (NM_001410842.1); c.*411G>T (NM_025085.2); short protein forms V668L.
Identifiers: ClinVar variation 2962239 (VCV002962239.3), dbSNP rs1748582912, ClinGen allele CA358270057.
Genomic context (GRCh38, chr4:139,376,419, plus strand): 5'-TGTTAGGTTGAAACTCCATTGGAAGAAGCTATTAAATTTTTAACACCGTTGAAGAACTTG[G>T]TGAAGAACAAGATAGAGACTCATCTTTTTGCCTTTGAGATTTACTTTAGGAAAGGTAGGC-3'
Protein context (NP_476516.1, residues 658-678): IKFLTPLKNL[Val668Leu]KNKIETHLFA

ClinVar aggregate classification (germline): Uncertain significance (1 of 4 stars; one submission).

Allele frequency attached by ClinVar (database versions not stated): gnomAD 0.00001; gnomAD exomes 0.00001; TOPMed 0.00001.
gnomAD v4.1: 11 of 1,613,246 alleles (0.00068%); highest among the groups gnomAD compares: Non-Finnish European, 0.00093%; no homozygotes.

Submission:

Labcorp Genetics (formerly Invitae), Labcorp
Classification: Uncertain significance. Last evaluated: 2024-05-06. Review status: criteria provided, single submitter. Criteria: Invitae Variant Classification Sherloc (09022015). Collection method: clinical testing. Allele origin: germline.
Comment: This sequence change replaces valine, which is neutral and non-polar, with leucine, which is neutral and non-polar, at codon 668 of the NAA15 protein (p.Val668Leu). This variant is not present in population databases (gnomAD no frequency). This variant has not been reported in the literature in individuals affected with NAA15-related conditions. An algorithm developed to predict the effect of missense changes on protein structure and function (PolyPhen-2) suggests that this variant is likely to be disruptive. In summary, the available evidence is currently insufficient to determine the role of this variant in disease. Therefore, it has been classified as a Variant of Uncertain Significance.